The following is an entry in ClinVar:

NM_199420.4(POLQ):c.4063C>G (p.Gln1355Glu)

Gene: POLQ (DNA polymerase theta; minus strand). Cytogenetic location: 3q13.33.
Variant type: single nucleotide variant.
Coding change: c.4063C>G on transcript NM_199420.4 (MANE Select); coding-DNA position 4063, C replaced by G.
Protein change: p.Gln1355Glu; replaces glutamine 1355 with glutamic acid.
Molecular consequence: missense variant.
Genome position (GRCh38, 1-based): chr3:121,488,868, G>C on the plus strand (C>G on the coding strand, the complement: POLQ is on the minus strand). VCF-style: chr3-121488868-G-C. GRCh37 (hg19) VCF-style: chr3-121207715-G-C.
Other names: short protein forms Q1355E.
Identifiers: ClinVar variation 3422417 (VCV003422417.1).

ClinVar aggregate classification (germline): Uncertain significance (1 of 4 stars; one submission).

Submission:

Ambry Genetics
Classification: Uncertain significance. Last evaluated: 2024-06-26. Review status: criteria provided, single submitter. Criteria: Ambry Variant Classification Scheme 2023. Collection method: clinical testing. Allele origin: germline.
Comment: The p.Q1355E variant (also known as c.4063C>G), located in coding exon 16 of the POLQ gene, results from a C to G substitution at nucleotide position 4063. The glutamine at codon 1355 is replaced by glutamic acid, an amino acid with highly similar properties. This amino acid position is conserved. In addition, this alteration is predicted to be tolerated by in silico analysis. Based on the available evidence, the clinical significance of this variant remains unclear.